The following is an entry in ClinVar:

ClinVar aggregate classification (germline): Conflicting classifications of pathogenicity. Review status: criteria provided, conflicting classifications (1 of 4 stars). 3 submissions from 3 submitters: Uncertain significance (2); Likely benign (1). Last evaluated 2025-03-13.

Conditions:
Hereditary cancer-predisposing syndrome. Also called: Hereditary neoplastic syndrome; Hereditary Cancer Syndrome; Tumor predisposition; Neoplastic Syndromes, Hereditary. Identifiers: Orphanet 140162, MedGen C0027672, MeSH D009386, MONDO:0015356.
Hereditary breast ovarian cancer syndrome. Also called: Hereditary breast and ovarian cancer syndrome; Hereditary breast and/or ovarian cancer syndrome; BRCA1- and BRCA2-Associated Hereditary Breast and Ovarian Cancer; Hereditary breast and ovarian cancer syndrome (HBOC); Breast and ovarian cancer; Hereditary breast and ovarian cancer. Identifiers: Orphanet 145, MedGen C0677776, MeSH D061325, MONDO:0003582. Disease mechanism: loss of function.

Submissions (3):

Ambry Genetics
Classification: Uncertain significance for Hereditary cancer-predisposing syndrome. Last evaluated: 2025-03-13. Review status: criteria provided, single submitter. Criteria: Ambry Variant Classification Scheme 2023. Collection method: clinical testing. Allele origin: germline.
Comment: The p.P845S variant (also known as c.2533C>T), located in coding exon 10 of the BRCA2 gene, results from a C to T substitution at nucleotide position 2533. The proline at codon 845 is replaced by serine, an amino acid with similar properties. This amino acid position is not well conserved in available vertebrate species. In addition, this alteration is predicted to be tolerated by in silico analysis. Based on the available evidence, the clinical significance of this variant remains unclear.

University of Washington Department of Laboratory Medicine, University of Washington
Classification: Likely benign for Hereditary cancer-predisposing syndrome. Last evaluated: 2023-03-23. Review status: criteria provided, single submitter. Criteria: Dines et al. (Genet Med. 2020). Collection method: curation. Allele origin: germline.
Comment: Missense variant in a coldspot region where missense variants are very unlikely to be pathogenic (PMID:31911673).

BRCA2 exon 11 coldspot. Reclassification based on statistical prior probability.

Labcorp Genetics (formerly Invitae), Labcorp
Classification: Uncertain significance for Hereditary breast ovarian cancer syndrome. Last evaluated: 2022-10-30. Review status: criteria provided, single submitter. Criteria: Invitae Variant Classification Sherloc (09022015). Collection method: clinical testing. Allele origin: germline.
Comment: In summary, the available evidence is currently insufficient to determine the role of this variant in disease. Therefore, it has been classified as a Variant of Uncertain Significance. Advanced modeling of protein sequence and biophysical properties (such as structural, functional, and spatial information, amino acid conservation, physicochemical variation, residue mobility, and thermodynamic stability) performed at Invitae indicates that this missense variant is not expected to disrupt BRCA2 protein function. ClinVar contains an entry for this variant (Variation ID: 1520857). This variant has not been reported in the literature in individuals affected with BRCA2-related conditions. This variant is not present in population databases (gnomAD no frequency). This sequence change replaces proline, which is neutral and non-polar, with serine, which is neutral and polar, at codon 845 of the BRCA2 protein (p.Pro845Ser).

NM_000059.4(BRCA2):c.2533C>T (p.Pro845Ser)

Gene: BRCA2 (BRCA2 DNA repair associated; plus strand). Cytogenetic location: 13q13.1.
Variant type: single nucleotide variant.
Coding change: c.2533C>T on transcript NM_000059.4 (MANE Select); coding-DNA position 2533, C replaced by T.
Protein change: p.Pro845Ser; replaces proline 845 with serine.
Molecular consequence: missense variant.
Genome position (GRCh38, 1-based): chr13:32,336,888, C>T. VCF-style: chr13-32336888-C-T. GRCh37 (hg19) VCF-style: chr13-32911025-C-T.
Other names: short protein forms P845S.
Identifiers: ClinVar variation 1520857 (VCV001520857.10), dbSNP rs2137487455, ClinGen allele CA387772491.